The following is an entry in ClinVar:

NM_003072.5(SMARCA4):c.*4C>G

Gene: SMARCA4 (SWI/SNF related BAF chromatin remodeling complex subunit ATPase 4; plus strand). Cytogenetic location: 19p13.2.
Variant type: single nucleotide variant.
Coding change: c.*4C>G on transcript NM_003072.5 (MANE Select); 4 bases downstream of the stop codon, C replaced by G.
Molecular consequence: 3 prime UTR variant. On other transcripts: non-coding transcript variant (1).
Genome position (GRCh38, 1-based): chr19:11,061,820, C>G. VCF-style: chr19-11061820-C-G. GRCh37 (hg19) VCF-style: chr19-11172496-C-G.
Other names: c.*4C>G (NM_001128844.3, NM_001128845.2, NM_001128846.2 and 5 more transcripts).
Identifiers: ClinVar variation 484943 (VCV000484943.5), dbSNP rs1283262172, ClinGen allele CA631770398.

ClinVar aggregate classification (germline): Uncertain significance (1 of 4 stars; one submission).

Conditions:
Hereditary cancer-predisposing syndrome. Also called: Neoplastic Syndromes, Hereditary; Tumor predisposition; Hereditary Cancer Syndrome; Hereditary neoplastic syndrome. Identifiers: Orphanet 140162, MedGen C0027672, MeSH D009386, MONDO:0015356.

Allele frequency attached by ClinVar (database versions not stated): gnomAD exomes below 0.00001 and 0.00001.
gnomAD v4.1: 3 of 1,613,944 alleles (0.00019%); highest among the groups gnomAD compares: Non-Finnish European, 0.00025%; no homozygotes.

Submission:

Ambry Genetics
Classification: Uncertain significance for Hereditary cancer-predisposing syndrome. Last evaluated: 2016-12-29. Review status: criteria provided, single submitter. Criteria: Ambry Variant Classification Scheme 2023. Collection method: clinical testing. Allele origin: germline.
Comment: The c.*4C>G variant is located in the 3' untranslated region (3&rsquo; UTR) of the SMARCA4 gene. This variant results from a C to G substitution 4 nucleotides downstream of the last translated codon. This nucleotide position is not well conserved in available vertebrate species. Since supporting evidence is limited at this time, the clinical significance of this alteration remains unclear.